The following is an entry in ClinVar:

ClinVar aggregate classification (germline): Uncertain significance (1 of 4 stars; one submission).

Conditions:
Nemaline myopathy 2 (NEM2). Also called: Nemaline myopathy 2, autosomal recessive. Identifiers: MedGen C1850569, MONDO:0009725, OMIM 256030.

Allele frequency attached by ClinVar (database versions not stated): ExAC 0.00001; gnomAD 0.00001.

Submission:

Labcorp Genetics (formerly Invitae), Labcorp
Classification: Uncertain significance for Nemaline myopathy 2. Last evaluated: 2022-07-15. Review status: criteria provided, single submitter. Criteria: Invitae Variant Classification Sherloc (09022015). Collection method: clinical testing. Allele origin: germline.
Comment: In summary, the available evidence is currently insufficient to determine the role of this variant in disease. Therefore, it has been classified as a Variant of Uncertain Significance. Variants that disrupt the consensus splice site are a relatively common cause of aberrant splicing (PMID: 17576681, 9536098). This variant has not been reported in the literature in individuals affected with NEB-related conditions. This variant is present in population databases (rs775179321, gnomAD 0.0009%). This sequence change falls in intron 141 of the NEB gene. It does not directly change the encoded amino acid sequence of the NEB protein. It affects a nucleotide within the consensus splice site.

Literature cited by the submitters: PubMed 17576681; PubMed 9536098.

NM_001164508.2(NEB):c.21207+4T>C

Gene: NEB (nebulin; minus strand). Cytogenetic location: 2q23.3.
Variant type: single nucleotide variant.
Coding change: c.21207+4T>C on transcript NM_001164508.2 (MANE Select); 4 bases into the intron after coding-DNA position 21207, T replaced by C.
Molecular consequence: intron variant.
Genome position (GRCh38, 1-based): chr2:151,537,128, A>G on the plus strand (T>C on the coding strand, the complement: NEB is on the minus strand). VCF-style: chr2-151537128-A-G. GRCh37 (hg19) VCF-style: chr2-152393642-A-G.
Other names: c.16104+4T>C (NM_004543.5); c.21207+4T>C (NM_001164507.2, NM_001271208.2).
Identifiers: ClinVar variation 1905195 (VCV001905195.5), dbSNP rs775179321, ClinGen allele CA1907059.